The following is an entry in ClinVar:

NM_000359.3(TGM1):c.401A>G (p.Tyr134Cys)

Gene: TGM1 (transglutaminase 1; minus strand). Cytogenetic location: 14q12.
Variant type: single nucleotide variant.
Coding change: c.401A>G on transcript NM_000359.3 (MANE Select); coding-DNA position 401, A replaced by G.
Protein change: p.Tyr134Cys; replaces tyrosine 134 with cysteine.
Molecular consequence: missense variant.
Genome position (GRCh38, 1-based): chr14:24,261,802, T>C on the plus strand (A>G on the coding strand, the complement: TGM1 is on the minus strand). VCF-style: chr14-24261802-T-C. GRCh37 (hg19) VCF-style: chr14-24731008-T-C.
Other names: short protein forms Y134C.
Identifiers: ClinVar variation 551268 (VCV000551268.20), dbSNP rs147916609, ClinGen allele CA7131425.

ClinVar aggregate classification (germline): Pathogenic/Likely pathogenic. Review status: criteria provided, multiple submitters, no conflicts (2 of 4 stars). 8 submissions from 8 submitters: Pathogenic (5); Likely pathogenic (2). 1 of the submissions does not count toward it. Last evaluated 2026-02-01.

Conditions:
TGM1-related disorder. Also called: TGM1-related condition.
Autosomal recessive congenital ichthyosis 1 (LI1). Also called: ICHTHYOSIS, CONGENITAL, AUTOSOMAL RECESSIVE 1, WITH BATHING SUIT DISTRIBUTION; ICHTHYOSIS, CONGENITAL, AUTOSOMAL RECESSIVE 1, WITH OR WITHOUT BATHING SUIT DISTRIBUTION; COLLODION FETUS; DESQUAMATION OF NEWBORN; ICHTHYOSIS CONGENITA; ICHTHYOSIS CONGENITA II. Identifiers: MedGen C4551630, MONDO:0009441, OMIM 242300.

Allele frequency attached by ClinVar (database versions not stated): gnomAD 0.00001 and 0.00002; gnomAD exomes 0.00001 and 0.00005; TOPMed 0.00002; ExAC 0.00003; ESP Exome Variant Server 0.00015.
gnomAD v4.1: 76 of 1,613,922 alleles (0.0047%); highest among the groups gnomAD compares: Non-Finnish European, 0.0063%; no homozygotes.

Submissions (8):

Labcorp Genetics (formerly Invitae), Labcorp
Classification: Pathogenic. Last evaluated: 2026-02-01. Review status: criteria provided, single submitter. Criteria: Invitae Variant Classification Sherloc (09022015). Collection method: clinical testing. Allele origin: germline.
Comment: This sequence change replaces tyrosine, which is neutral and polar, with cysteine, which is neutral and slightly polar, at codon 134 of the TGM1 protein (p.Tyr134Cys). This variant is present in population databases (rs147916609, gnomAD 0.003%). This missense change has been observed in individuals with TGM1-related conditions (PMID: 18948357, 19241467, 26762237, 27025581). ClinVar contains an entry for this variant (Variation ID: 551268). Invitae Evidence Modeling of protein sequence and biophysical properties (such as structural, functional, and spatial information, amino acid conservation, physicochemical variation, residue mobility, and thermodynamic stability) has been performed for this missense variant. However, the output from this modeling did not meet the statistical confidence thresholds required to predict the impact of this variant on TGM1 protein function. Algorithms developed to predict the effect of sequence changes on RNA splicing suggest that this variant may create or strengthen a splice site. This variant disrupts the p.Tyr134 amino acid residue in TGM1. Other variant(s) that disrupt this residue have been observed in individuals with TGM1-related conditions (PMID: 30578701), which suggests that this may be a clinically significant amino acid residue. For these reasons, this variant has been classified as Pathogenic.

Natera, Inc.
Classification: Pathogenic for Autosomal recessive congenital ichthyosis type 1. Last evaluated: 2026-01-08. Review status: criteria provided, single submitter. Criteria: Natera Variant Classification Schema (03/2026). Collection method: clinical testing. Allele origin: germline.
Comment: The c.401A>G variant in TGM1 is a missense variant predicted to cause substitution of tyrosine to cysteine at amino acid 134. This variant is rare in the general population with a frequency below the threshold expected for the associated phenotype(s). This variant has been observed in one or more individuals affected with the associated recessive disease, as either homozygous or compound heterozygous with a second variant (PMID: 26762237, 27025581, 38779990). Computational prediction algorithms indicate this variant is likely to affect gene or protein function. Given the available evidence, this variant is classified as Pathogenic.

GeneDx
Classification: Pathogenic. Last evaluated: 2025-09-19. Review status: criteria provided, single submitter. Criteria: GeneDx Variant Classification Process June 2021. Collection method: clinical testing. Allele origin: germline. Affected: yes.
Comment: In silico analysis supports that this missense variant has a deleterious effect on protein structure/function; Not observed at significant frequency in large population cohorts (gnomAD); In silico analysis supports a deleterious effect on splicing; This variant is associated with the following publications: (PMID: 27025581, 22992804, 31168818, 30916489, 26762237, 19241467, 18948357)

Baylor Genetics
Classification: Pathogenic for Autosomal recessive congenital ichthyosis 1. Last evaluated: 2024-03-30. Review status: criteria provided, single submitter. Criteria: ACMG Guidelines, 2015. Collection method: clinical testing. Allele origin: unknown.

Fulgent Genetics
Classification: Likely pathogenic for Autosomal recessive congenital ichthyosis 1. Last evaluated: 2024-03-06. Review status: criteria provided, single submitter. Criteria: ACMG Guidelines, 2015. Collection method: clinical testing. Allele origin: germline.

Blueprint Genetics
Classification: Pathogenic for TGM1-related disorders. Last evaluated: 2021-08-06. Review status: criteria provided, single submitter. Criteria: ACMG Guidelines, 2015. Collection method: clinical testing. Allele origin: germline. Affected: yes. Observed: 3 variant alleles.

Genome-Nilou Lab
Classification: Likely pathogenic for Autosomal recessive congenital ichthyosis 1. Review status: criteria provided, single submitter. Criteria: ACMG Guidelines, 2015. Collection method: clinical testing. Allele origin: germline.

Counsyl
Classification: Likely pathogenic for Autosomal recessive congenital ichthyosis 1. Last evaluated: 2017-03-28. Review status: no assertion criteria provided. Collection method: clinical testing. Allele origin: unknown. Not counted in ClinVar's aggregate classification.

Literature cited by the submitters: PubMed 18948357 (cited by Labcorp Genetics (formerly Invitae), Labcorp); PubMed 19241467 (cited by Labcorp Genetics (formerly Invitae), Labcorp and Counsyl); PubMed 26762237 (cited by 3 submitters); PubMed 27025581 (cited by 3 submitters); PubMed 30578701 (cited by Labcorp Genetics (formerly Invitae), Labcorp); PubMed 38779990 (cited by Natera, Inc.); PubMed 22992804 (cited by Counsyl).